The following is an entry in ClinVar:

NC_012920.1(MT-ND5):m.13522A>C

Gene: MT-ND5 (mitochondrially encoded NADH dehydrogenase 5; plus strand).
Variant type: single nucleotide variant.
Genome position: chrM-13522-A-C.
Identifiers: ClinVar variation 693567 (VCV000693567.1), dbSNP rs1603224217, ClinGen allele CA414818362.
Genomic context (GRCh38, chrMT:13,522, plus strand): 5'-GGCAGCCTAGCATTAGCAGGAATACCTTTCCTCACAGGTTTCTACTCCAAAGACCACATC[A>C]TCGAAACCGCAAACATATCATACACAAACGCCTGAGCCCTATCTATTACTCTCATCGCTA-3'

ClinVar aggregate classification (germline): Uncertain significance (1 of 4 stars; one submission).

Conditions:
Leigh syndrome (NULS). Also called: Leigh's necrotizing encephalopathy; Leigh's disease; Leigh Syndrome (mtDNA deletion); Leigh Disease; Subacute necrotizing encephalopathy; Necrotizing encephalopathy infantile subacute of Leigh. Identifiers: Orphanet 506, MedGen C2931891, MONDO:0009723, OMIM 256000.

Submission:

Wong Mito Lab, Molecular and Human Genetics, Baylor College of Medicine
Classification: Uncertain significance for Leigh syndrome. Last evaluated: 2019-10-17. Review status: criteria provided, single submitter. Criteria: Modified ACMG Guidelines (Unpublished). Collection method: clinical testing. Allele origin: germline.
Comment: The NC_012920.1:m.13522A>C (YP_003024036.1:p.Ile396Leu) variant in MTND5 gene is interpretated to be a Uncertain Significance variant based on the modified ACMG guidelines (unpublished). This variant meets the following evidence codes: BS4, BP6, PP7